The following is an entry in ClinVar:

ClinVar aggregate classification (germline): Uncertain significance. Review status: criteria provided, multiple submitters, no conflicts (2 of 4 stars). 4 submissions from 4 submitters: Uncertain significance (4). Last evaluated 2025-06-06.

Conditions:
Trichothiodystrophy 2, photosensitive (TTD2). Identifiers: Orphanet 33364, MedGen C4225344, MONDO:0014615, OMIM 616390.
Xeroderma pigmentosum group B. Also called: XERODERMA PIGMENTOSUM B/COCKAYNE SYNDROME; ERCC3-Related Xeroderma Pigmentosum; XP, GROUP B; XPB/CS. Identifiers: MedGen C0268136, MONDO:0012531, OMIM 610651.
Inborn genetic diseases. Identifiers: MedGen C0950123, MeSH D030342.

Allele frequency attached by ClinVar (database versions not stated): gnomAD exomes 0.00001; ExAC 0.00002; gnomAD 0.00004; TOPMed 0.00012.
gnomAD v4.1: 19 of 1,614,128 alleles (0.0012%); highest among the groups gnomAD compares: African/African-American, 0.021%; no homozygotes.

Submissions (4):

Ambry Genetics
Classification: Uncertain significance for Inborn genetic diseases. Last evaluated: 2025-06-06. Review status: criteria provided, single submitter. Criteria: Ambry Variant Classification Scheme 2023. Collection method: clinical testing. Allele origin: germline.

Labcorp Genetics (formerly Invitae), Labcorp
Classification: Uncertain significance. Last evaluated: 2025-01-15. Review status: criteria provided, single submitter. Criteria: Invitae Variant Classification Sherloc (09022015). Collection method: clinical testing. Allele origin: germline.
Comment: This sequence change replaces valine, which is neutral and non-polar, with isoleucine, which is neutral and non-polar, at codon 716 of the ERCC3 protein (p.Val716Ile). This variant is present in population databases (rs747001718, gnomAD 0.02%). This variant has not been reported in the literature in individuals affected with ERCC3-related conditions. ClinVar contains an entry for this variant (Variation ID: 1980975). Invitae Evidence Modeling of protein sequence and biophysical properties (such as structural, functional, and spatial information, amino acid conservation, physicochemical variation, residue mobility, and thermodynamic stability) indicates that this missense variant is not expected to disrupt ERCC3 protein function with a negative predictive value of 80%. In summary, the available evidence is currently insufficient to determine the role of this variant in disease. Therefore, it has been classified as a Variant of Uncertain Significance.

Fulgent Genetics
Classification: Uncertain significance for Xeroderma pigmentosum group B; Trichothiodystrophy 2, photosensitive. Last evaluated: 2024-05-23. Review status: criteria provided, single submitter. Criteria: ACMG Guidelines, 2015. Collection method: clinical testing. Allele origin: germline.

GeneDx
Classification: Uncertain significance. Last evaluated: 2022-11-22. Review status: criteria provided, single submitter. Criteria: GeneDx Variant Classification Process June 2021. Collection method: clinical testing. Allele origin: germline. Affected: yes.
Comment: In silico analysis supports that this missense variant does not alter protein structure/function; Has not been previously published as pathogenic or benign to our knowledge

NM_000122.2(ERCC3):c.2146G>A (p.Val716Ile)

Gene: ERCC3 (ERCC excision repair 3, TFIIH core complex helicase subunit; minus strand). Cytogenetic location: 2q14.3.
Variant type: single nucleotide variant.
Coding change: c.2146G>A on transcript NM_000122.2 (MANE Select); coding-DNA position 2146, G replaced by A.
Protein change: p.Val716Ile; replaces valine 716 with isoleucine.
Molecular consequence: missense variant.
Genome position (GRCh38, 1-based): chr2:127,259,367, C>T on the plus strand (G>A on the coding strand, the complement: ERCC3 is on the minus strand). VCF-style: chr2-127259367-C-T. GRCh37 (hg19) VCF-style: chr2-128016943-C-T.
Other names: c.1954G>A, p.Val652Ile (NM_001303416.2, NM_001303418.2); short protein forms V652I, V716I.
Identifiers: ClinVar variation 1980975 (VCV001980975.6), dbSNP rs747001718, ClinGen allele CA1858067.